The following is an entry in ClinVar:

ClinVar aggregate classification (germline): Benign/Likely benign. Review status: criteria provided, multiple submitters, no conflicts (2 of 4 stars). 2 submissions from 2 submitters: Benign (1); Likely benign (1). Last evaluated 2024-10-09.

Conditions:
Hereditary cancer-predisposing syndrome. Also called: Neoplastic Syndromes, Hereditary; Tumor predisposition; Hereditary neoplastic syndrome; Hereditary Cancer Syndrome. Identifiers: Orphanet 140162, MedGen C0027672, MeSH D009386, MONDO:0015356.
Hereditary diffuse gastric adenocarcinoma (HDGC). Also called: DIFFUSE GASTRIC AND LOBULAR BREAST CANCER SYNDROME. Identifiers: Orphanet 26106, MedGen C1708349, MONDO:0007648, OMIM 137215.

Submissions (2):

Myriad Genetics, Inc.
Classification: Benign for Hereditary diffuse gastric adenocarcinoma. Last evaluated: 2024-10-09. Review status: criteria provided, single submitter. Criteria: Myriad Autosomal Dominant, Autosomal Recessive and X-Linked Classification Criteria (2023). Collection method: clinical testing. Allele origin: unknown.
Comment: This variant is considered benign. This variant is a silent/synonymous amino acid change and it is not expected to impact splicing.

Ambry Genetics
Classification: Likely benign for Hereditary cancer-predisposing syndrome. Last evaluated: 2022-09-21. Review status: criteria provided, single submitter. Criteria: Ambry Variant Classification Scheme 2023. Collection method: clinical testing. Allele origin: germline.

NM_001903.5(CTNNA1):c.231T>C (p.Asp77=)

Gene: CTNNA1 (catenin alpha 1; plus strand). Cytogenetic location: 5q31.2.
Variant type: single nucleotide variant.
Coding change: c.231T>C on transcript NM_001903.5 (MANE Select); coding-DNA position 231, T replaced by C.
Protein change: p.Asp77=; no amino-acid change (aspartic acid 77 retained).
Molecular consequence: synonymous variant. On other transcripts: intron variant (2).
Genome position (GRCh38, 1-based): chr5:138,783,302, T>C. VCF-style: chr5-138783302-T-C. GRCh37 (hg19) VCF-style: chr5-138118991-T-C.
Other names: c.231T>C, p.Asp77= (NM_001290307.3, NM_001323982.2, NM_001323983.1 and 3 more transcripts); c.-6+30T>C (NM_001290310.3); c.-9+1273T>C (NM_001290309.3).
Identifiers: ClinVar variation 1789566 (VCV001789566.3), dbSNP rs2532179023, ClinGen allele CA446725135.